The following is an entry in ClinVar:

NM_000540.3(RYR1):c.12303G>A (p.Gln4101=)

Gene: RYR1 (ryanodine receptor 1; plus strand). Cytogenetic location: 19q13.2.
Variant type: single nucleotide variant.
Coding change: c.12303G>A on transcript NM_000540.3 (MANE Select); coding-DNA position 12303, G replaced by A.
Protein change: p.Gln4101=; no amino-acid change (glutamine 4101 retained).
Molecular consequence: synonymous variant.
Genome position (GRCh38, 1-based): chr19:38,561,133, G>A. VCF-style: chr19-38561133-G-A. GRCh37 (hg19) VCF-style: chr19-39051773-G-A.
Other names: c.12288G>A, p.Gln4096= (NM_001042723.2).
Identifiers: ClinVar variation 3069536 (VCV003069536.1), dbSNP rs1213510971, ClinGen allele CA507354749.

ClinVar aggregate classification (germline): Likely benign (1 of 4 stars; one submission).

Conditions:
Malignant hyperthermia, susceptibility to, 1 (MHS1). Also called: RYR1-Related Malignant Hyperthermia Susceptibility; Anesthesia related hyperthermia; Malignant hyperpyrexia; Fulminating hyperpyrexia; Pharmacogenic myopathy; Malignant hyperthermia suceptibility 1. Identifiers: Orphanet 423, MedGen C2930980, MONDO:0007783, OMIM 145600.

Allele frequency attached by ClinVar (database versions not stated): TOPMed below 0.00001; gnomAD 0.00001.
gnomAD v4.1: 1 of 1,613,968 alleles (0.000062%); highest among the groups gnomAD compares: East Asian, 0.0022%; no homozygotes.

Submission:

All of Us Research Program, National Institutes of Health
Classification: Likely benign for Malignant hyperthermia, susceptibility to, 1. Last evaluated: 2023-11-30. Review status: criteria provided, single submitter. Criteria: ACMG Guidelines, 2015. Collection method: clinical testing. Allele origin: germline. Inheritance: Autosomal dominant inheritance. Observed: 2 variant alleles, 2 heterozygotes.
Comment: This study involves interpretation of variants in research participants for the purpose of population health screening. Participant phenotype was not available at the time of variant classification. Additional details can be found in publication PMID: 35346344, PMCID: PMC8962531